The following is an entry in ClinVar:

ClinVar aggregate classification (germline): Pathogenic (1 of 4 stars; one submission).

Conditions:
Familial adenomatous polyposis 1 (FAP1). Also called: POLYPOSIS, ADENOMATOUS INTESTINAL; FAMILIAL ADENOMATOUS POLYPOSIS 1, ATTENUATED. Identifiers: MedGen C2713442, MONDO:0021056, OMIM 175100. Disease mechanism: loss of function.

Submission:

Labcorp Genetics (formerly Invitae), Labcorp
Classification: Pathogenic for Familial adenomatous polyposis 1. Last evaluated: 2022-04-15. Review status: criteria provided, single submitter. Criteria: Invitae Variant Classification Sherloc (09022015). Collection method: clinical testing. Allele origin: germline.
Comment: For these reasons, this variant has been classified as Pathogenic. A different truncation (p.Tyr2645Lysfs*14) that lies downstream of this variant has been determined to be pathogenic (PMID: 9824584, 1316610, 27081525, 8381579, 22135120, Invitae). This suggests that deletion of this region of the APC protein is causative of disease. This variant is expected to disrupt the EB1 and HDLG binding sites, which mediate interactions with the cytoskeleton (PMID: 15311282, 17293347). While functional studies have not been performed to directly test the effect on APC protein function, this suggests that disruption of the C-terminal portion of the protein is functionally important. This variant has not been reported in the literature in individuals affected with APC-related conditions. This variant is not present in population databases (gnomAD no frequency). This sequence change creates a premature translational stop signal (p.Tyr935Glnfs*23) in the APC gene. While this is not anticipated to result in nonsense mediated decay, it is expected to disrupt the last 1909 amino acid(s) of the APC protein.

Literature cited by the submitters: PubMed 9824584; PubMed 1316610; PubMed 27081525; PubMed 8381579; PubMed 22135120; PubMed 15311282; PubMed 17293347.

NM_000038.6(APC):c.2795_2802dup (p.Tyr935fs)

Gene: APC (APC regulator of Wnt signaling pathway; plus strand). Cytogenetic location: 5q22.2.
Variant type: Duplication.
Coding change: c.2795_2802dup on transcript NM_000038.6 (MANE Select); coding-DNA positions 2795 to 2802, 8 bases duplicated (CAAACACT; older notation c.2795_2802dupCAAACACT).
Protein change: p.Tyr935fs; shifts the reading frame from tyrosine 935.
Molecular consequence: frameshift variant.
Genome position (GRCh38, 1-based): chr5:112,838,389-112,838,396, CAAACACT duplicated; duplicating any 8 consecutive bases within chr5:112,838,388-112,838,396 gives the same sequence; the c. name uses the placement nearest the transcript's 3' end. VCF-style (leftmost placement, unchanged base first): chr5-112838387-T-TTCAAACAC. GRCh37 (hg19) VCF-style: chr5-112174084-T-TTCAAACAC.
Other names: c.2795_2802dup, p.Tyr935fs (NM_001127510.3, NM_001354895.2); c.2741_2748dup, p.Tyr917fs (NM_001127511.3); c.2849_2856dup, p.Tyr953fs (NM_001354896.2); c.2825_2832dup, p.Tyr945fs (NM_001354897.2); c.2720_2727dup, p.Tyr910fs (NM_001354898.2); c.2711_2718dup, p.Tyr907fs (NM_001354899.2); c.2672_2679dup, p.Tyr894fs (NM_001354900.2); c.2618_2625dup, p.Tyr876fs (NM_001354901.2); and 16 more; short protein forms Y775fs, Y894fs, Y907fs, Y910fs, Y917fs, Y652fs, Y809fs, Y834fs.
Identifiers: ClinVar variation 2126206 (VCV002126206.4), dbSNP rs2533450058, ClinGen allele CA2580072796.